The following is an entry in ClinVar:

NM_001110556.2(FLNA):c.4449G>T (p.Leu1483Phe)

Gene: FLNA (filamin A; minus strand). Cytogenetic location: Xq28.
Variant type: single nucleotide variant.
Coding change: c.4449G>T on transcript NM_001110556.2 (MANE Select); coding-DNA position 4449, G replaced by T.
Protein change: p.Leu1483Phe; replaces leucine 1483 with phenylalanine.
Molecular consequence: missense variant.
Genome position (GRCh38, 1-based): chrX:154,359,009, C>A on the plus strand (G>T on the coding strand, the complement: FLNA is on the minus strand). VCF-style: chrX-154359009-C-A. GRCh37 (hg19) VCF-style: chrX-153587377-C-A.
Other names: c.4449G>T, p.Leu1483Phe (NM_001456.4); short protein forms L1483F.
Identifiers: ClinVar variation 1912371 (VCV001912371.5), dbSNP rs1356756921, ClinGen allele CA415216259.

ClinVar aggregate classification (germline): Uncertain significance (1 of 4 stars; one submission).

Conditions:
Heterotopia, periventricular, X-linked dominant (PVNH1). Also called: PERIVENTRICULAR NODULAR HETEROTOPIA 4; HETEROTOPIA, PERIVENTRICULAR, 1; PERIVENTRICULAR NODULAR HETEROTOPIA 1; X-linked periventricular heterotopia. Identifiers: Orphanet 2149, Orphanet 82004, MedGen C1848213, MONDO:0010233, OMIM 300049.
Melnick-Needles syndrome (MNS). Also called: Melnick-Needles Syndrome (FLNA-MNS); MELNICK-NEEDLES OSTEODYSPLASTY; OSTEODYSPLASTY OF MELNICK AND NEEDLES. Identifiers: Orphanet 2484, MedGen C0025237, MONDO:0010650, OMIM 309350.
Frontometaphyseal dysplasia (FMD1). Identifiers: Orphanet 1826, MedGen C0265293, MONDO:0015942.
Oto-palato-digital syndrome, type II (OPD2). Also called: Otopalatodigital Syndrome Type 2 (FLNA-OPD2); FACIOPALATOOSSEOUS SYNDROME; OPD II SYNDROME; Otopalatodigital Syndrome, Type II. Identifiers: Orphanet 669, Orphanet 90652, MedGen C1844696, MONDO:0010571, OMIM 304120.

Allele frequency attached by ClinVar (database versions not stated): gnomAD exomes 0.00002; TOPMed below 0.00001.
gnomAD v4.1: 12 of 1,211,436 alleles (0.00099%); highest among the groups gnomAD compares: Non-Finnish European, 0.0013%; no homozygotes.

Submission:

Labcorp Genetics (formerly Invitae), Labcorp
Classification: Uncertain significance for Oto-palato-digital syndrome, type II; Heterotopia, periventricular, X-linked dominant; Frontometaphyseal dysplasia; Melnick-Needles syndrome. Last evaluated: 2024-04-02. Review status: criteria provided, single submitter. Criteria: Invitae Variant Classification Sherloc (09022015). Collection method: clinical testing. Allele origin: germline.
Comment: This sequence change replaces leucine, which is neutral and non-polar, with phenylalanine, which is neutral and non-polar, at codon 1483 of the FLNA protein (p.Leu1483Phe). The frequency data for this variant in the population databases is considered unreliable, as metrics indicate poor data quality at this position in the gnomAD database. This variant has not been reported in the literature in individuals affected with FLNA-related conditions. ClinVar contains an entry for this variant (Variation ID: 1912371). Advanced modeling of protein sequence and biophysical properties (such as structural, functional, and spatial information, amino acid conservation, physicochemical variation, residue mobility, and thermodynamic stability) performed at Invitae indicates that this missense variant is not expected to disrupt FLNA protein function with a negative predictive value of 95%. In summary, the available evidence is currently insufficient to determine the role of this variant in disease. Therefore, it has been classified as a Variant of Uncertain Significance.